The following is an entry in ClinVar:

NM_016955.4(SEPSECS):c.356A>G (p.Asn119Ser)

Gene: SEPSECS (Sep (O-phosphoserine) tRNA:Sec (selenocysteine) tRNA synthase; minus strand). Cytogenetic location: 4p15.2.
Variant type: single nucleotide variant.
Coding change: c.356A>G on transcript NM_016955.4 (MANE Select); coding-DNA position 356, A replaced by G.
Protein change: p.Asn119Ser; replaces asparagine 119 with serine.
Molecular consequence: missense variant.
Genome position (GRCh38, 1-based): chr4:25,156,888, T>C on the plus strand (A>G on the coding strand, the complement: SEPSECS is on the minus strand). VCF-style: chr4-25156888-T-C. GRCh37 (hg19) VCF-style: chr4-25158510-T-C.
Other names: p.Asn119Ser; p.N119S; c.611A>G, p.Asn204Ser (NM_001410714.1); short protein forms N119S, N204S.
Identifiers: ClinVar variation 4884329 (VCV004884329.2).

ClinVar aggregate classification (germline): Uncertain significance (1 of 4 stars; one submission).

Conditions:
Pontocerebellar hypoplasia type 2D (PCH2D). Also called: Progressive cerebello-cerebral atrophy. Identifiers: Orphanet 247198, Orphanet 2524, MedGen C3151140, MONDO:0013438, OMIM 613811.

gnomAD v4.1: 2 of 1,609,020 alleles (0.00012%); highest among the groups gnomAD compares: South Asian, 0.0011%; no homozygotes.

Submission:

Clinical Genetics Laboratory, Universite de Sherbrooke
Classification: Uncertain significance for Pontocerebellar hypoplasia type 2D. Last evaluated: 2016-02-01. Review status: criteria provided, single submitter. Criteria: ACMG Guidelines, 2015. Collection method: curation. Allele origin: germline. Affected: yes.
Comment: Reported in two affected families with milder progressive cerebellar atrophy, in compound heterozygosity with either SEPSECS c.77delG; p.Arg26Profs*42 or SEPSECS c.467G>A; p.Arg156Gln. The affected individuals presented with developmental delay, progressive spasticity, and cerebellar atrophy, supporting the association of p.Asn119Ser with SEPSECS-related disease (PMID:26888482).

Literature cited by the submitters: PubMed 26888482.